The following is an entry in ClinVar:

ClinVar aggregate classification (germline): Likely benign. Review status: criteria provided, multiple submitters, no conflicts (2 of 4 stars). 2 submissions from 2 submitters: Likely benign (2). Last evaluated 2026-06-01.

gnomAD v4.1: 10 of 1,614,110 alleles (0.00062%); highest among the groups gnomAD compares: Middle Eastern, 0.016%; no homozygotes.

Submissions (2):

CeGaT Center for Human Genetics Tuebingen
Classification: Likely benign. Last evaluated: 2026-06-01. Review status: criteria provided, single submitter. Criteria: CeGaT Center For Human Genetics Tuebingen Variant Classification Criteria Version 2. Collection method: clinical testing. Allele origin: germline. Affected: yes. Observed: 1 variant allele.
Comment: CDK12: BP4, BP7

Ambry Genetics
Classification: Likely benign. Last evaluated: 2024-12-19. Review status: criteria provided, single submitter. Criteria: Ambry Variant Classification Scheme 2023. Collection method: clinical testing. Allele origin: germline.

NM_016507.4(CDK12):c.195A>G (p.Thr65=)

Genes: CDK12 (cyclin dependent kinase 12; plus strand), LOC126862553 (CDK7 strongly-dependent group 2 enhancer GRCh37_chr17:37618166-37619365; plus strand). Cytogenetic location: 17q12.
Variant type: single nucleotide variant.
Coding change: c.195A>G on transcript NM_016507.4 (MANE Select); coding-DNA position 195, A replaced by G.
Protein change: p.Thr65=; no amino-acid change (threonine 65 retained).
Molecular consequence: synonymous variant.
Genome position (GRCh38, 1-based): chr17:39,462,266, A>G. VCF-style: chr17-39462266-A-G. GRCh37 (hg19) VCF-style: chr17-37618519-A-G.
Other names: c.195A>G, p.Thr65= (NM_015083.4).
Identifiers: ClinVar variation 3830377 (VCV003830377.3).